The following is an entry in ClinVar:

ClinVar aggregate classification (germline): Uncertain significance (1 of 4 stars; one submission).

Conditions:
SDCCAG8-related disorder. Also called: SDCCAG8-related condition; SDCCAG8-Related Disorders.

gnomAD v4.1: 5 of 1,613,844 alleles (0.00031%); highest among the groups gnomAD compares: South Asian, 0.0044%; no homozygotes.

Submission:

PreventionGenetics, part of Exact Sciences
Classification: Uncertain significance for SDCCAG8-related condition. Last evaluated: 2025-10-31. Review status: criteria provided, single submitter. Criteria: ACMG Guidelines, 2015. Collection method: clinical testing. Allele origin: germline.
Comment: The SDCCAG8 c.484C>G variant is predicted to result in the amino acid substitution p.Gln162Glu. To our knowledge, this variant has not been reported in the literature. This variant is reported in 0.0033% of alleles in individuals of South Asian descent in gnomAD. At this time, the clinical significance of this variant is uncertain due to the absence of conclusive functional and genetic evidence.

NM_006642.5(SDCCAG8):c.484C>G (p.Gln162Glu)

Gene: SDCCAG8 (SHH signaling and ciliogenesis regulator SDCCAG8; plus strand). Cytogenetic location: 1q43.
Variant type: single nucleotide variant.
Coding change: c.484C>G on transcript NM_006642.5 (MANE Select); coding-DNA position 484, C replaced by G.
Protein change: p.Gln162Glu; replaces glutamine 162 with glutamic acid.
Molecular consequence: missense variant. On other transcripts: 5 prime UTR variant (3).
Genome position (GRCh38, 1-based): chr1:243,286,335, C>G. VCF-style: chr1-243286335-C-G. GRCh37 (hg19) VCF-style: chr1-243449637-C-G.
Other names: c.-629C>G (NM_001350246.2); c.-517C>G (NM_001350247.2); c.484C>G, p.Gln162Glu (NM_001350248.2); c.190C>G, p.Gln64Glu (NM_001350249.2); c.-890C>G (NM_001350251.2); short protein forms Q64E, Q162E.
Identifiers: ClinVar variation 4985350 (VCV004985350.1).